The following is an entry in ClinVar:

NM_004260.4(RECQL4):c.2094A>C (p.Gln698His)

Gene: RECQL4 (RecQ like helicase 4; minus strand). Cytogenetic location: 8q24.3.
Variant type: single nucleotide variant.
Coding change: c.2094A>C on transcript NM_004260.4 (MANE Select); coding-DNA position 2094, A replaced by C.
Protein change: p.Gln698His; replaces glutamine 698 with histidine.
Molecular consequence: missense variant. On other transcripts: non-coding transcript variant (2).
Genome position (GRCh38, 1-based): chr8:144,513,677, T>G on the plus strand (A>C on the coding strand, the complement: RECQL4 is on the minus strand). VCF-style: chr8-144513677-T-G. GRCh37 (hg19) VCF-style: chr8-145739061-T-G.
Other names: c.1998A>C, p.Gln666His (NM_001413017.1, NM_001413020.1); c.2094A>C, p.Gln698His (NM_001413018.1, NM_001413019.1, NM_001413036.1); c.1023A>C, p.Gln341His (NM_001413021.1, NM_001413022.1, NM_001413023.1 and 6 more transcripts); c.1965A>C, p.Gln655His (NM_001413025.1); c.957A>C, p.Gln319His (NM_001413027.1, NM_001413030.1, NM_001413032.1 and 1 more transcripts); c.1743A>C, p.Gln581His (NM_001413029.1); c.825A>C, p.Gln275His (NM_001413031.1); c.1962A>C, p.Gln654His (NM_001413033.1); and 4 more; short protein forms Q341H, Q581H, Q666H, Q688H, Q209H, Q275H, Q297H, Q319H.
Identifiers: ClinVar variation 3718913 (VCV003718913.2).
Genomic context (GRCh38, chr8:144,513,677, plus strand): 5'-CGCAGCGATCCGCTCTGTGTCCTCGCGCCGGTTGCAGTAAATGATAATGGAATCGAGGTT[T>G]TGAAAACGTTTGCCTTGCAGCAGCGTCAACAGTGCCTGATGAGGAGCGGTTGGCGTGGGC-3'
Protein context (NP_004251.4, residues 688-708): LLTLLQGKRF[Gln698His]NLDSIIIYCN

ClinVar aggregate classification (germline): Uncertain significance (1 of 4 stars; one submission).

Conditions:
Baller-Gerold syndrome (BGS). Also called: CRANIOSYNOSTOSIS WITH RADIAL DEFECTS. Identifiers: Orphanet 1225, MedGen C0265308, MONDO:0009039, OMIM 218600.

Submission:

Labcorp Genetics (formerly Invitae), Labcorp
Classification: Uncertain significance for Baller-Gerold syndrome. Last evaluated: 2024-09-30. Review status: criteria provided, single submitter. Criteria: Invitae Variant Classification Sherloc (09022015). Collection method: clinical testing. Allele origin: germline.
Comment: This sequence change replaces glutamine, which is neutral and polar, with histidine, which is basic and polar, at codon 698 of the RECQL4 protein (p.Gln698His). This variant is not present in population databases (gnomAD no frequency). This variant has not been reported in the literature in individuals affected with RECQL4-related conditions. Invitae Evidence Modeling of protein sequence and biophysical properties (such as structural, functional, and spatial information, amino acid conservation, physicochemical variation, residue mobility, and thermodynamic stability) indicates that this missense variant is not expected to disrupt RECQL4 protein function with a negative predictive value of 80%. In summary, the available evidence is currently insufficient to determine the role of this variant in disease. Therefore, it has been classified as a Variant of Uncertain Significance.